The following is an entry in ClinVar:

ClinVar aggregate classification (germline): Uncertain significance (1 of 4 stars; one submission).

gnomAD v4.1: 12 of 1,613,940 alleles (0.00074%); highest among the groups gnomAD compares: Non-Finnish European, 0.001%; no homozygotes.

Submission:

Greenwood Genetic Center Diagnostic Laboratories, Greenwood Genetic Center
Classification: Uncertain significance. Last evaluated: 2024-04-14. Review status: criteria provided, single submitter. Criteria: ACMG Guidelines, 2015. Collection method: clinical testing. Allele origin: germline. Affected: yes.
Comment: PM3, PP3

NM_016333.4(SRRM2):c.1032+5G>T

Gene: SRRM2 (serine/arginine repetitive matrix 2; plus strand). Cytogenetic location: 16p13.3.
Variant type: single nucleotide variant.
Coding change: c.1032+5G>T on transcript NM_016333.4 (MANE Select); 5 bases into the intron after coding-DNA position 1032, G replaced by T.
Molecular consequence: intron variant.
Genome position (GRCh38, 1-based): chr16:2,760,504, G>T. VCF-style: chr16-2760504-G-T. GRCh37 (hg19) VCF-style: chr16-2810505-G-T.
Identifiers: ClinVar variation 3338588 (VCV003338588.1).